The following is an entry in ClinVar:

ClinVar aggregate classification (germline): Uncertain significance. Review status: criteria provided, multiple submitters, no conflicts (2 of 4 stars). 2 submissions from 2 submitters: Uncertain significance (2). Last evaluated 2024-11-25.

Conditions:
Inborn genetic diseases. Identifiers: MedGen C0950123, MeSH D030342.

Allele frequency attached by ClinVar (database versions not stated): ESP Exome Variant Server 0.00008; ExAC 0.00012; TOPMed 0.00008.
gnomAD v4.1: 78 of 1,613,972 alleles (0.0048%); highest among the groups gnomAD compares: Admixed American, 0.062%; no homozygotes.

Submissions (2):

Ambry Genetics
Classification: Uncertain significance for Inborn genetic diseases. Last evaluated: 2024-11-25. Review status: criteria provided, single submitter. Criteria: Ambry Variant Classification Scheme 2023. Collection method: clinical testing. Allele origin: germline.
Comment: The p.N197S variant (also known as c.590A>G), located in coding exon 5 of the USB1 gene, results from an A to G substitution at nucleotide position 590. The asparagine at codon 197 is replaced by serine, an amino acid with highly similar properties. This amino acid position is conserved. In addition, this alteration is predicted to be tolerated by in silico analysis. Based on the available evidence, the clinical significance of this variant remains unclear.

Labcorp Genetics (formerly Invitae), Labcorp
Classification: Uncertain significance. Last evaluated: 2022-01-17. Review status: criteria provided, single submitter. Criteria: Invitae Variant Classification Sherloc (09022015). Collection method: clinical testing. Allele origin: germline.
Comment: This sequence change replaces asparagine, which is neutral and polar, with serine, which is neutral and polar, at codon 197 of the USB1 protein (p.Asn197Ser). This variant is present in population databases (rs377411772, gnomAD 0.1%). This variant has not been reported in the literature in individuals affected with USB1-related conditions. ClinVar contains an entry for this variant (Variation ID: 1043562). Algorithms developed to predict the effect of missense changes on protein structure and function are either unavailable or do not agree on the potential impact of this missense change (SIFT: "Not Available"; PolyPhen-2: "Benign"; Align-GVGD: "Not Available"). In summary, the available evidence is currently insufficient to determine the role of this variant in disease. Therefore, it has been classified as a Variant of Uncertain Significance.

NM_024598.4(USB1):c.590A>G (p.Asn197Ser)

Gene: USB1 (U6 snRNA biogenesis phosphodiesterase 1; plus strand). Cytogenetic location: 16q21.
Variant type: single nucleotide variant.
Coding change: c.590A>G on transcript NM_024598.4 (MANE Select); coding-DNA position 590, A replaced by G.
Protein change: p.Asn197Ser; replaces asparagine 197 with serine.
Molecular consequence: missense variant.
Genome position (GRCh38, 1-based): chr16:58,017,420, A>G. VCF-style: chr16-58017420-A-G. GRCh37 (hg19) VCF-style: chr16-58051324-A-G.
Other names: c.536A>G, p.Asn179Ser (NM_001195302.2); c.437A>G, p.Asn146Ser (NM_001330568.2); c.590A>G (NM_024598.3); short protein forms N197S, N179S, N146S.
Identifiers: ClinVar variation 1043562 (VCV001043562.5), dbSNP rs377411772, ClinGen allele CA8084977.